The following is an entry in ClinVar:

NM_000179.3(MSH6):c.3755_3758dup (p.Glu1254fs)

Gene: MSH6 (mutS homolog 6; plus strand). Cytogenetic location: 2p16.3.
Variant type: Duplication.
Coding change: c.3755_3758dup on transcript NM_000179.3 (MANE Select); coding-DNA positions 3755 to 3758, 4 bases duplicated (TAGT; older notation c.3755_3758dupTAGT).
Protein change: p.Glu1254fs; shifts the reading frame from glutamic acid 1254.
Molecular consequence: frameshift variant. On other transcripts: non-coding transcript variant (5).
Genome position (GRCh38, 1-based): chr2:47,806,312-47,806,315, TAGT duplicated; duplicating any 4 consecutive bases within chr2:47,806,311-47,806,315 gives the same sequence; the c. name uses the placement nearest the transcript's 3' end. VCF-style (leftmost placement, unchanged base first): chr2-47806310-A-ATTAG. GRCh37 (hg19) VCF-style: chr2-48033449-A-ATTAG.
Other names: c.3365_3368dup, p.Glu1124fs (NM_001281492.2); c.3458_3461dup, p.Glu1155fs (NM_001406805.1, NM_001406818.1, NM_001406819.1 and 10 more transcripts); c.3230_3233dup, p.Glu1079fs (NM_001406806.1, NM_001406807.1, NM_001406799.1); c.3755_3758dup, p.Glu1254fs (NM_001406808.1, NM_001406809.1, NM_001406796.1 and 1 more transcripts); c.2849_2852dup, p.Glu952fs (NM_001406811.1, NM_001406812.1, NM_001406814.1 and 6 more transcripts); c.3761_3764dup, p.Glu1256fs (NM_001406813.1); c.2189_2192dup, p.Glu732fs (NM_001406817.1); c.3587_3590dup, p.Glu1198fs (NM_001406826.1); and 7 more; short protein forms E1079fs, E1124fs, E1155fs, E1196fs, E1198fs, E1228fs, E1254fs, E1256fs.
Identifiers: ClinVar variation 4856764 (VCV004856764.1).
Genomic context (GRCh38, chr2:47,806,310, plus strand): 5'-TGTTAAAGAACTTGCTGAGACTATAAAATGTCGTACATTATTTTCAACTCACTACCATTC[A>ATTAG]TTAGTAGAAGATTATTCTCAAAATGTTGCTGTGCGCCTAGGACATATGGTATGTGCAAAT-3'

ClinVar aggregate classification (germline): Pathogenic (1 of 4 stars; one submission).

Conditions:
Lynch syndrome 5 (LYNCH5). Also called: Colorectal cancer, hereditary nonpolyposis, type 5; Hereditary non-polyposis colorectal cancer, type 5. Identifiers: Orphanet 144, MedGen C1833477, MONDO:0013710, OMIM 614350. Disease mechanism: loss of function.

Submission:

Myriad Genetics, Inc.
Classification: Pathogenic for Lynch syndrome 5. Last evaluated: 2026-03-18. Review status: criteria provided, single submitter. Criteria: Myriad Autosomal Dominant, Autosomal Recessive and X-Linked Classification Criteria (2023). Collection method: clinical testing. Allele origin: unknown.
Comment: This variant is considered pathogenic. This variant creates a frameshift predicted to result in premature protein truncation.